The following is an entry in ClinVar:

ClinVar aggregate classification (germline): Likely benign. Review status: criteria provided, multiple submitters, no conflicts (2 of 4 stars). 3 submissions from 3 submitters: Likely benign (3). Last evaluated 2026-01-28.

Conditions:
Hereditary cancer-predisposing syndrome. Also called: Neoplastic Syndromes, Hereditary; Tumor predisposition; Hereditary Cancer Syndrome; Hereditary neoplastic syndrome. Identifiers: Orphanet 140162, MedGen C0027672, MeSH D009386, MONDO:0015356.
Retinoblastoma (RB1). Also called: RETINOBLASTOMA, SOMATIC. Identifiers: Orphanet 790, MedGen C0035335, MeSH D012175, MONDO:0008380, OMIM 180200, HP:0009919. Disease mechanism: loss of function. Inheritance: Both sporadic and heritable forms are tested..

Allele frequency attached by ClinVar (database versions not stated): ExAC below 0.00001; gnomAD 0.00004; TOPMed 0.00006; gnomAD exomes 0.00009.
gnomAD v4.1: 62 of 1,472,050 alleles (0.0042%); highest among the groups gnomAD compares: Admixed American, 0.0075%; no homozygotes.

Submissions (3):

Labcorp Genetics (formerly Invitae), Labcorp
Classification: Likely benign for Retinoblastoma. Last evaluated: 2026-01-28. Review status: criteria provided, single submitter. Criteria: Invitae Variant Classification Sherloc (09022015). Collection method: clinical testing. Allele origin: germline.

All of Us Research Program, National Institutes of Health
Classification: Likely benign for Retinoblastoma. Last evaluated: 2024-07-29. Review status: criteria provided, single submitter. Criteria: ACMG Guidelines, 2015. Collection method: clinical testing. Allele origin: germline. Inheritance: Autosomal dominant inheritance. Observed: 9 variant alleles, 9 heterozygotes.
Comment: This study involves interpretation of variants in research participants for the purpose of population health screening. Participant phenotype was not available at the time of variant classification. Additional details can be found in publication PMID: 35346344, PMCID: PMC8962531

Ambry Genetics
Classification: Likely benign for Hereditary cancer-predisposing syndrome. Last evaluated: 2020-08-13. Review status: criteria provided, single submitter. Criteria: Ambry Variant Classification Scheme 2023. Collection method: clinical testing. Allele origin: germline.

NM_000321.3(RB1):c.106G>A (p.Asp36Asn)

Gene: RB1 (RB transcriptional corepressor 1; plus strand). Cytogenetic location: 13q14.2.
Variant type: single nucleotide variant.
Coding change: c.106G>A on transcript NM_000321.3 (MANE Select); coding-DNA position 106, G replaced by A.
Protein change: p.Asp36Asn; replaces aspartic acid 36 with asparagine.
Molecular consequence: missense variant.
Genome position (GRCh38, 1-based): chr13:48,304,018, G>A. VCF-style: chr13-48304018-G-A. GRCh37 (hg19) VCF-style: chr13-48878154-G-A.
Other names: short protein forms D36N.
Identifiers: ClinVar variation 458113 (VCV000458113.18), dbSNP rs745822791, ClinGen allele CA027539.